The following is an entry in ClinVar:

NM_138959.3(VANGL1):c.*1749G>T

Gene: VANGL1 (VANGL planar cell polarity protein 1; plus strand). Cytogenetic location: 1p13.1.
Variant type: single nucleotide variant.
Coding change: c.*1749G>T on transcript NM_138959.3 (MANE Select); 1749 bases downstream of the stop codon, G replaced by T.
Molecular consequence: 3 prime UTR variant.
Genome position (GRCh38, 1-based): chr1:115,693,128, G>T. VCF-style: chr1-115693128-G-T. GRCh37 (hg19) VCF-style: chr1-116235749-G-T.
Other names: c.*1749G>T (NM_001172411.2, NM_001172412.2).
Identifiers: ClinVar variation 292042 (VCV000292042.6), dbSNP rs3811010, ClinGen allele CA10607667.

ClinVar aggregate classification (germline): Benign. Review status: criteria provided, multiple submitters, no conflicts (2 of 4 stars). 3 submissions from 2 submitters: Benign (3). Last evaluated 2018-01-13.

Conditions:
Sacral defect with anterior meningocele. Identifiers: MedGen C1838568, OMIM 600145.
Neural tube defect (NTD). Also called: Neural tube defects. Identifiers: Orphanet 3388, Orphanet 823, MedGen C0027794, MONDO:0018075, HP:0045005.

Allele frequency attached by ClinVar (database versions not stated): gnomAD exomes 0.03125; 1000 Genomes Project 0.05451; 1000 Genomes Project 30x 0.05903; TOPMed 0.06066.
gnomAD v4.1: 8,621 of 152,616 alleles (5.6%); highest among the groups gnomAD compares: African/African-American, 14%; 439 homozygotes.

Submissions (3):

Illumina Laboratory Services, Illumina
Classification: Benign for Neural tube defects, susceptibility to. Last evaluated: 2018-01-13. Review status: criteria provided, single submitter. Criteria: ICSL Variant Classification Criteria 13 December 2019. Collection method: clinical testing. Allele origin: germline.
Comment: This variant was observed in the ICSL laboratory as part of a predisposition screen in an ostensibly healthy population. It had not been previously curated by ICSL or reported in the Human Gene Mutation Database (HGMD: prior to June 1st, 2018), and was therefore a candidate for classification through an automated scoring system. Utilizing variant allele frequency, disease prevalence and penetrance estimates, and inheritance mode, an automated score was calculated to assess if this variant is too frequent to cause the disease. Based on the score and internal cut-off values, a variant classified as benign is not then subjected to further curation. The score for this variant resulted in a classification of benign for this disease.

Illumina Laboratory Services, Illumina
Classification: Benign for Sacral defect with anterior meningocele. Last evaluated: 2018-01-13. Review status: criteria provided, single submitter. Criteria: ICSL Variant Classification Criteria 13 December 2019. Collection method: clinical testing. Allele origin: germline.
Comment: the same text as in the submission from Illumina Laboratory Services, Illumina above.

Breakthrough Genomics
Classification: Benign. Review status: criteria provided, single submitter. Criteria: ACMG Guidelines, 2015. Collection method: not provided. Allele origin: germline. Inheritance: Autosomal dominant inheritance. Affected: yes.